The following is an entry in ClinVar:

ClinVar aggregate classification (germline): Pathogenic (1 of 4 stars; one submission).

Conditions:
Hereditary breast ovarian cancer syndrome. Also called: Hereditary breast and ovarian cancer; Hereditary breast and ovarian cancer syndrome (HBOC); Hereditary breast and ovarian cancer syndrome; Breast and ovarian cancer; Hereditary breast and/or ovarian cancer syndrome; BRCA1- and BRCA2-Associated Hereditary Breast and Ovarian Cancer. Identifiers: Orphanet 145, MedGen C0677776, MeSH D061325, MONDO:0003582. Disease mechanism: loss of function.

Submission:

Women's Health and Genetics/Laboratory Corporation of America, LabCorp
Classification: Pathogenic for Hereditary breast ovarian cancer syndrome. Last evaluated: 2024-06-19. Review status: criteria provided, single submitter. Criteria: LabCorp Variant Classification Summary - May 2015. Collection method: clinical testing. Allele origin: germline.
Comment: Variant summary: The variant involves the deletion of exons 1-27 in the BRCA2 gene. A presumed nomenclature of c.(?_-200)_(*1499_?)del has been designated for the purposes of this classification. This deletion includes the entire coding sequence of the gene. As the exact proximal and distal breakpoints are unknown, it may extend beyond the annotated region of the gene to include other flanking genes. Although exact breakpoints of this deletion are not known, large deletions in BRCA2 are a known mechanism of disease. The variant was not found in approximately 21000 individuals in the gnomAD structural variant database. Deletion of the entire BRCA2 gene has been reported in the literature in individuals affected with Hereditary Breast and Ovarian Cancer (examples- Tournier_2004, LeCarpentier_2012, Rebbeck_2018). These data indicate that the variant is likely to be associated with disease. To our knowledge, no experimental evidence demonstrating an impact on protein function has been reported. ClinVar contains an entry for this variant (Variation ID: 584385). Based on the evidence outlined above, the variant was classified as pathogenic.

Literature cited by the submitters: PubMed 21120943; PubMed 22762150; PubMed 15548676; PubMed 29446198.

NC_000013.10:g.(?_32889644)_(32974406_?)del

Gene: BRCA2 (BRCA2 DNA repair associated; plus strand). Cytogenetic location: 13q13.1.
Variant type: Deletion.
Identifiers: ClinVar variation 3339957 (VCV003339957.1).